The following is an entry in ClinVar:

NM_181332.3(NLGN4X):c.1812C>A (p.Phe604Leu)

Gene: NLGN4X (neuroligin 4 X-linked; minus strand). Cytogenetic location: Xp22.32.
Variant type: single nucleotide variant.
Coding change: c.1812C>A on transcript NM_181332.3 (MANE Select); coding-DNA position 1812, C replaced by A.
Protein change: p.Phe604Leu; replaces phenylalanine 604 with leucine.
Molecular consequence: missense variant.
Genome position (GRCh38, 1-based): chrX:5,893,456, G>T on the plus strand (C>A on the coding strand, the complement: NLGN4X is on the minus strand). VCF-style: chrX-5893456-G-T. GRCh37 (hg19) VCF-style: chrX-5811497-G-T.
Other names: c.1812C>A, p.Phe604Leu (NM_001282145.2, NM_001282146.2, NM_020742.4); short protein forms F604L.
Identifiers: ClinVar variation 1060891 (VCV001060891.9), dbSNP rs2146686354, ClinGen allele CA412013623.

ClinVar aggregate classification (germline): Uncertain significance (1 of 4 stars; one submission).

Submission:

Labcorp Genetics (formerly Invitae), Labcorp
Classification: Uncertain significance. Last evaluated: 2018-05-02. Review status: criteria provided, single submitter. Criteria: Invitae Variant Classification Sherloc (09022015). Collection method: clinical testing. Allele origin: germline.
Comment: In summary, the available evidence is currently insufficient to determine the role of this variant in disease. Therefore, it has been classified as a Variant of Uncertain Significance. This sequence change replaces phenylalanine with leucine at codon 604 of the NLGN4X protein (p.Phe604Leu). The phenylalanine residue is moderately conserved and there is a small physicochemical difference between phenylalanine and leucine. This variant is not present in population databases (ExAC no frequency). This variant has not been reported in the literature in individuals with NLGN4X-related disease. Algorithms developed to predict the effect of missense changes on protein structure and function do not agree on the potential impact of this missense change (SIFT: "Tolerated"; PolyPhen-2: "Probably Damaging"; Align-GVGD: "Class C0").